The following is an entry in ClinVar:

NM_014639.4(SKIC3):c.3479A>G (p.Gln1160Arg)

Gene: SKIC3 (SKI3 subunit of superkiller complex; minus strand). Cytogenetic location: 5q15.
Variant type: single nucleotide variant.
Coding change: c.3479A>G on transcript NM_014639.4 (MANE Select); coding-DNA position 3479, A replaced by G.
Protein change: p.Gln1160Arg; replaces glutamine 1160 with arginine.
Molecular consequence: missense variant.
Genome position (GRCh38, 1-based): chr5:95,498,454, T>C on the plus strand (A>G on the coding strand, the complement: SKIC3 is on the minus strand). VCF-style: chr5-95498454-T-C. GRCh37 (hg19) VCF-style: chr5-94834158-T-C.
Other names: short protein forms Q1160R.
Identifiers: ClinVar variation 3005925 (VCV003005925.1), dbSNP rs909911271, ClinGen allele CA122833521.

ClinVar aggregate classification (germline): Uncertain significance (1 of 4 stars; one submission).

Allele frequency attached by ClinVar (database versions not stated): gnomAD exomes below 0.00001; TOPMed below 0.00001.
gnomAD v4.1: 1 of 1,614,200 alleles (0.000062%); highest among the groups gnomAD compares: South Asian, 0.0011%; no homozygotes.

Submission:

Labcorp Genetics (formerly Invitae), Labcorp
Classification: Uncertain significance. Last evaluated: 2022-10-26. Review status: criteria provided, single submitter. Criteria: Invitae Variant Classification Sherloc (09022015). Collection method: clinical testing. Allele origin: germline.
Comment: This variant is not present in population databases (gnomAD no frequency). In summary, the available evidence is currently insufficient to determine the role of this variant in disease. Therefore, it has been classified as a Variant of Uncertain Significance. Algorithms developed to predict the effect of missense changes on protein structure and function (SIFT, PolyPhen-2, Align-GVGD) all suggest that this variant is likely to be tolerated. This variant has not been reported in the literature in individuals affected with TTC37-related conditions. This sequence change replaces glutamine, which is neutral and polar, with arginine, which is basic and polar, at codon 1160 of the TTC37 protein (p.Gln1160Arg).